The following is an entry in ClinVar:

NM_024496.4(IRF2BPL):c.531G>A (p.Pro177=)

Gene: IRF2BPL (interferon regulatory factor 2 binding protein like; minus strand). Cytogenetic location: 14q24.3.
Variant type: single nucleotide variant.
Coding change: c.531G>A on transcript NM_024496.4 (MANE Select); coding-DNA position 531, G replaced by A.
Protein change: p.Pro177=; no amino-acid change (proline 177 retained).
Molecular consequence: synonymous variant.
Genome position (GRCh38, 1-based): chr14:77,027,262, C>T on the plus strand (G>A on the coding strand, the complement: IRF2BPL is on the minus strand). VCF-style: chr14-77027262-C-T. GRCh37 (hg19) VCF-style: chr14-77493605-C-T.
Identifiers: ClinVar variation 2644397 (VCV002644397.25), dbSNP rs372608089, ClinGen allele CA7283923.
Genomic context (GRCh38, chr14:77,027,262, plus strand): 5'-GTTTGGGCCCCCCAGGCCGTTGGGCAGTCGCGCGGTGTGGCTGCTGCTTCCCAGGCTCAC[C>T]GGCGGTGGCGGGTACTCGAAGCGGCTGCGCTGTTCCACCGCAGCGGCGGCGGCGGCGGCG-3'
Protein context (NP_078772.1, residues 167-187): QRSRFEYPPP[Pro177=]VSLGSSSHTA

ClinVar aggregate classification (germline): Likely benign. Review status: criteria provided, multiple submitters, no conflicts (2 of 4 stars). 2 submissions from 2 submitters: Likely benign (2). Last evaluated 2024-10-28.

Allele frequency attached by ClinVar (database versions not stated): gnomAD exomes 0.00007; ESP Exome Variant Server 0.00008; gnomAD 0.00008; ExAC 0.00012; TOPMed 0.00018.
gnomAD v4.1: 117 of 1,582,850 alleles (0.0074%); highest among the groups gnomAD compares: Middle Eastern, 0.094%; no homozygotes.

Submissions (2):

Blueprint Genetics
Classification: Likely benign. Last evaluated: 2024-10-28. Review status: criteria provided, single submitter. Criteria: ACMG Guidelines, 2015. Collection method: clinical testing. Allele origin: germline.

CeGaT Center for Human Genetics Tuebingen
Classification: Likely benign. Last evaluated: 2024-07-01. Review status: criteria provided, single submitter. Criteria: CeGaT Center For Human Genetics Tuebingen Variant Classification Criteria Version 2. Collection method: clinical testing. Allele origin: germline. Affected: yes. Observed: 4 variant alleles.
Comment: IRF2BPL: BP4, BP7